The following is an entry in ClinVar:

ClinVar aggregate classification (germline): Uncertain significance (1 of 4 stars; one submission).

Allele frequency attached by ClinVar (database versions not stated): gnomAD exomes 0.00001.

Submission:

GeneDx
Classification: Uncertain significance. Last evaluated: 2022-12-21. Review status: criteria provided, single submitter. Criteria: GeneDx Variant Classification Process June 2021. Collection method: clinical testing. Allele origin: germline. Affected: yes.
Comment: Has not been previously published as pathogenic or benign to our knowledge; Not observed at significant frequency in large population cohorts (gnomAD); In silico analysis supports that this missense variant has a deleterious effect on protein structure/function

NM_021628.3(ALOXE3):c.329C>T (p.Thr110Ile)

Gene: ALOXE3 (arachidonate epidermal lipoxygenase 3; minus strand). Cytogenetic location: 17p13.1.
Variant type: single nucleotide variant.
Coding change: c.329C>T on transcript NM_021628.3 (MANE Select); coding-DNA position 329, C replaced by T.
Protein change: p.Thr110Ile; replaces threonine 110 with isoleucine.
Molecular consequence: missense variant.
Genome position (GRCh38, 1-based): chr17:8,116,799, G>A on the plus strand (C>T on the coding strand, the complement: ALOXE3 is on the minus strand). VCF-style: chr17-8116799-G-A. GRCh37 (hg19) VCF-style: chr17-8020117-G-A.
Other names: c.725C>T, p.Thr242Ile (NM_001165960.1); c.329C>T, p.Thr110Ile (NM_001369446.1); short protein forms T110I, T242I.
Identifiers: ClinVar variation 2506769 (VCV002506769.1), dbSNP rs1429783354, ClinGen allele CA397981935.
Genomic context (GRCh38, chr17:8,116,799, plus strand): 5'-CTTCTGCAGTACAGTGTAGTCCTCGTCTCTGGCCCACCTGTTCCTGGCCTCAGCTCCACG[G>A]TGCAGTAGCCTTCAATCCACTGATAGCAGGGGAAGTGGGATACACTACCATCCGGTTCGG-3'
Protein context (NP_067641.2, residues 100-120): PCYQWIEGYC[Thr110Ile]VELRPGTART